The following is an entry in ClinVar:

ClinVar aggregate classification (germline): Likely benign. Review status: criteria provided, multiple submitters, no conflicts (2 of 4 stars). 4 submissions from 4 submitters: Likely benign (4). Last evaluated 2025-06-17.

Conditions:
Ehlers-Danlos syndrome, type 4 (EDSVASC). Also called: Ehlers-Danlos syndrome vascular type; Ehlers Danlos syndrome, ecchymotic type; Ehlers Danlos syndrome, arterial type; Ehlers Danlos syndrome, Sack-Barabas type; Ehlers-Danlos Syndrome Type IV. Identifiers: Orphanet 286, MedGen C0268338, MONDO:0017314, OMIM 130050.
Familial thoracic aortic aneurysm and aortic dissection (TAAD). Also called: Thoracic aortic aneurysms and dissections. Identifiers: Orphanet 91387, MedGen C4707243, MONDO:0019625.

Allele frequency attached by ClinVar (database versions not stated): gnomAD 0.00001 and 0.00002; ExAC 0.00002; gnomAD exomes 0.00002 and 0.00004; TOPMed 0.00002.

Submissions (4):

Labcorp Genetics (formerly Invitae), Labcorp
Classification: Likely benign for Ehlers-Danlos syndrome, type 4. Last evaluated: 2025-06-17. Review status: criteria provided, single submitter. Criteria: Invitae Variant Classification Sherloc (09022015). Collection method: clinical testing. Allele origin: germline.

Women's Health and Genetics/Laboratory Corporation of America, LabCorp
Classification: Likely benign. Last evaluated: 2025-04-23. Review status: criteria provided, single submitter. Criteria: LabCorp Variant Classification Summary - May 2015. Collection method: clinical testing. Allele origin: germline.
Comment: Variant summary: COL3A1 c.1050+7_1050+8delAT alters a nucleotide located at a position not widely known to affect splicing. Consensus agreement among computation tools predict no significant impact on normal splicing. However, these predictions have yet to be confirmed by functional studies. The variant allele was found at a frequency of 2.4e-05 in 251366 control chromosomes. The available data on variant occurrences in the general population are insufficient to allow any conclusion about variant significance. To our knowledge, no occurrence of c.1050+7_1050+8delAT in individuals affected with Ehlers-Danlos Syndrome, Vascular Type and no experimental evidence demonstrating its impact on protein function have been reported. ClinVar contains an entry for this variant (Variation ID: 629554). Based on the evidence outlined above, the variant was classified as likely benign.

All of Us Research Program, National Institutes of Health
Classification: Likely benign for Ehlers-Danlos syndrome, type 4. Last evaluated: 2023-12-13. Review status: criteria provided, single submitter. Criteria: ACMG Guidelines, 2015. Collection method: clinical testing. Allele origin: germline. Inheritance: Autosomal dominant inheritance. Observed: 5 variant alleles, 5 heterozygotes.
Comment: This study involves interpretation of variants in research participants for the purpose of population health screening. Participant phenotype was not available at the time of variant classification. Additional details can be found in publication PMID: 35346344, PMCID: PMC8962531

Color Diagnostics, LLC DBA Color Health
Classification: Likely benign for Familial thoracic aortic aneurysm and aortic dissection. Last evaluated: 2018-10-16. Review status: criteria provided, single submitter. Criteria: ACMG Guidelines, 2015. Collection method: clinical testing. Allele origin: germline.

NM_000090.4(COL3A1):c.1050+7_1050+8del

Gene: COL3A1 (collagen type III alpha 1 chain; plus strand). Cytogenetic location: 2q32.2.
Variant type: Deletion.
Coding change: c.1050+7_1050+8del on transcript NM_000090.4 (MANE Select); bases 7 to 8 of the intron after coding-DNA position 1050, 2 bases deleted (AT; older notation c.1050+7_1050+8delAT).
Molecular consequence: intron variant.
Genome position (GRCh38, 1-based): chr2:188,992,947-188,992,948, AT deleted. VCF-style (leftmost placement, unchanged base first): chr2-188992946-CAT-C. GRCh37 (hg19) VCF-style: chr2-189857672-CAT-C.
Other names: c.1050+7_1050+8delAT (NM_000090.3, NM_000090.4).
Identifiers: ClinVar variation 629554 (VCV000629554.14), dbSNP rs759415640, ClinGen allele CA2021745.